The following is an entry in ClinVar:

NC_000005.9:g.(?_78181397)_(78181660_?)dup

Gene: ARSB (arylsulfatase B; minus strand). Cytogenetic location: 5q14.1.
Variant type: Duplication.
Identifiers: ClinVar variation 664450 (VCV000664450.8).

ClinVar aggregate classification (germline): Likely pathogenic (1 of 4 stars; one submission).

Conditions:
Mucopolysaccharidosis type 6 (MPS6). Also called: ARSB DEFICIENCY; ARYLSULFATASE B DEFICIENCY; MPS 6; Maroteaux Lamy syndrome; MPS VI; N-ACETYLGALACTOSAMINE-4-SULFATASE DEFICIENCY. Identifiers: Orphanet 583, MedGen C0026709, MONDO:0009661, OMIM 253200.

Submission:

Labcorp Genetics (formerly Invitae), Labcorp
Classification: Likely pathogenic for Mucopolysaccharidosis type 6. Last evaluated: 2022-09-03. Review status: criteria provided, single submitter. Criteria: Invitae Variant Classification Sherloc (09022015). Collection method: clinical testing. Allele origin: germline.
Comment: This variant results in a copy number gain of the genomic region encompassing exon(s) 5 of the ARSB gene. While the exact position of this variant cannot be determined from the data, sub-genic copy number gains are generally in tandem (PMID: 25640679). This variant is predicted to be out-of-frame, and may result in an absent or disrupted protein product. Loss-of-function variants in ARSB are known to be pathogenic (PMID: 17458871, 22133300). A similar copy number variant has been observed in individual(s) with a biochemical diagnosis of Maroteaux-Lamy syndrome VI (Invitae). In summary, the currently available evidence indicates that the variant is pathogenic, but additional data are needed to prove that conclusively. Therefore, this variant has been classified as Likely Pathogenic.

Literature cited by the submitters: PubMed 25640679; PubMed 17458871; PubMed 22133300.